The following is an entry in ClinVar:

ClinVar aggregate classification (germline): Uncertain significance. Review status: criteria provided, multiple submitters, no conflicts (2 of 4 stars). 3 submissions from 3 submitters: Uncertain significance (3). Last evaluated 2026-01-05.

Conditions:
Familial thoracic aortic aneurysm and aortic dissection (TAAD). Also called: Thoracic aortic aneurysms and dissections. Identifiers: Orphanet 91387, MedGen C4707243, MONDO:0019625.
Aortic aneurysm, familial thoracic 7 (AAT7). Also called: AORTIC DISSECTION, FAMILIAL, WITH OR WITHOUT AORTIC ANEURYSM. Identifiers: MedGen C3151077, MONDO:0013418, OMIM 613780.

Allele frequency attached by ClinVar (database versions not stated): gnomAD 0.00003; TOPMed 0.00003; gnomAD exomes 0.00005 and 0.00008; ESP Exome Variant Server 0.00008; ExAC 0.00015.
gnomAD v4.1: 80 of 1,613,860 alleles (0.005%); highest among the groups gnomAD compares: Non-Finnish European, 0.0064%; no homozygotes.

Submissions (3):

Labcorp Genetics (formerly Invitae), Labcorp
Classification: Uncertain significance for Aortic aneurysm, familial thoracic 7. Last evaluated: 2026-01-05. Review status: criteria provided, single submitter. Criteria: Invitae Variant Classification Sherloc (09022015). Collection method: clinical testing. Allele origin: germline.
Comment: This sequence change replaces alanine, which is neutral and non-polar, with valine, which is neutral and non-polar, at codon 1220 of the MYLK protein (p.Ala1220Val). This variant is present in population databases (rs370872760, gnomAD 0.02%). This variant has not been reported in the literature in individuals affected with MYLK-related conditions. ClinVar contains an entry for this variant (Variation ID: 241758). Invitae Evidence Modeling of protein sequence and biophysical properties (such as structural, functional, and spatial information, amino acid conservation, physicochemical variation, residue mobility, and thermodynamic stability) indicates that this missense variant is not expected to disrupt MYLK protein function with a negative predictive value of 80%. In summary, the available evidence is currently insufficient to determine the role of this variant in disease. Therefore, it has been classified as a Variant of Uncertain Significance.

Ambry Genetics
Classification: Uncertain significance for Familial thoracic aortic aneurysm and aortic dissection. Last evaluated: 2024-04-29. Review status: criteria provided, single submitter. Criteria: Ambry Variant Classification Scheme 2023. Collection method: clinical testing. Allele origin: germline.
Comment: The p.A1220V variant (also known as c.3659C>T), located in coding exon 18 of the MYLK gene, results from a C to T substitution at nucleotide position 3659. The alanine at codon 1220 is replaced by valine, an amino acid with similar properties. This amino acid position is highly conserved in available vertebrate species. In addition, the in silico prediction for this alteration is inconclusive. Based on the available evidence, the clinical significance of this variant remains unclear.

GeneDx
Classification: Uncertain significance. Last evaluated: 2022-11-10. Review status: criteria provided, single submitter. Criteria: GeneDx Variant Classification Process June 2021. Collection method: clinical testing. Allele origin: germline. Affected: yes.
Comment: Has not been previously published as pathogenic or benign to our knowledge; In silico analysis supports that this missense variant does not alter protein structure/function

NM_053025.4(MYLK):c.3659C>T (p.Ala1220Val)

Gene: MYLK (myosin light chain kinase; minus strand). Cytogenetic location: 3q21.1.
Variant type: single nucleotide variant.
Coding change: c.3659C>T on transcript NM_053025.4 (MANE Select); coding-DNA position 3659, C replaced by T.
Protein change: p.Ala1220Val; replaces alanine 1220 with valine.
Molecular consequence: missense variant.
Genome position (GRCh38, 1-based): chr3:123,667,181, G>A on the plus strand (C>T on the coding strand, the complement: MYLK is on the minus strand). VCF-style: chr3-123667181-G-A. GRCh37 (hg19) VCF-style: chr3-123386028-G-A.
Other names: c.3131C>T, p.Ala1044Val (NM_001321309.2); c.3452C>T, p.Ala1151Val (NM_053026.4, NM_053028.4); c.3659C>T, p.Ala1220Val (NM_053027.4); short protein forms A1220V, A1151V, A1044V.
Identifiers: ClinVar variation 241758 (VCV000241758.19), dbSNP rs370872760, ClinGen allele CA069993.
Genomic context (GRCh38, chr3:123,667,181, plus strand): 5'-TGCCGTGGCCAATTACCTGCCTTCGGAGGTGTCTTGGGGGCAGGTTTCTTTTTCACAGTC[G>A]CATCACCTGAAACAAAGAAGTTCACAAGTTATTTCCTGTAGTTCTGTTTTTTTCACAAAG-3'
Protein context (NP_444253.3, residues 1210-1230): LPPVLGTESD[Ala1220Val]TVKKKPAPKT